The following is an entry in ClinVar:

NM_001105206.3(LAMA4):c.4321C>T (p.Pro1441Ser)

Gene: LAMA4 (laminin subunit alpha 4; minus strand). Cytogenetic location: 6q21.
Variant type: single nucleotide variant.
Coding change: c.4321C>T on transcript NM_001105206.3 (MANE Select); coding-DNA position 4321, C replaced by T.
Protein change: p.Pro1441Ser; replaces proline 1441 with serine.
Molecular consequence: missense variant.
Genome position (GRCh38, 1-based): chr6:112,122,168, G>A on the plus strand (C>T on the coding strand, the complement: LAMA4 is on the minus strand). VCF-style: chr6-112122168-G-A. GRCh37 (hg19) VCF-style: chr6-112443371-G-A.
Other names: c.4300C>T, p.Pro1434Ser (NM_001105207.3, NM_002290.5); c.4300C>T (NM_002290.3); short protein forms P1434S, P1441S.
Identifiers: ClinVar variation 1447113 (VCV001447113.7), dbSNP rs782456468, ClinGen allele CA3964998.

ClinVar aggregate classification (germline): Uncertain significance. Review status: criteria provided, multiple submitters, no conflicts (2 of 4 stars). 2 submissions from 2 submitters: Uncertain significance (2). Last evaluated 2025-05-24.

Conditions:
Dilated cardiomyopathy 1JJ (CMD1JJ). Identifiers: Orphanet 154, MedGen C3808935, MONDO:0014095, OMIM 615235.
Cardiovascular phenotype. Identifiers: MedGen CN230736.

Allele frequency attached by ClinVar (database versions not stated): gnomAD exomes below 0.00001; ExAC 0.00001.
gnomAD v4.1: 2 of 1,613,776 alleles (0.00012%); highest among the groups gnomAD compares: South Asian, 0.0011%; no homozygotes.

Submissions (2):

Ambry Genetics
Classification: Uncertain significance for Cardiovascular phenotype. Last evaluated: 2025-05-24. Review status: criteria provided, single submitter. Criteria: Ambry Variant Classification Scheme 2023. Collection method: clinical testing. Allele origin: germline.
Comment: The p.P1434S variant (also known as c.4300C>T), located in coding exon 31 of the LAMA4 gene, results from a C to T substitution at nucleotide position 4300. The proline at codon 1434 is replaced by serine, an amino acid with similar properties. This amino acid position is conserved. In addition, this alteration is predicted to be tolerated by in silico analysis. Based on the available evidence, the clinical significance of this variant remains unclear.

Labcorp Genetics (formerly Invitae), Labcorp
Classification: Uncertain significance for Dilated cardiomyopathy 1JJ. Last evaluated: 2021-09-10. Review status: criteria provided, single submitter. Criteria: Invitae Variant Classification Sherloc (09022015). Collection method: clinical testing. Allele origin: germline.
Comment: Algorithms developed to predict the effect of missense changes on protein structure and function (SIFT, PolyPhen-2, Align-GVGD) all suggest that this variant is likely to be tolerated. In summary, the available evidence is currently insufficient to determine the role of this variant in disease. Therefore, it has been classified as a Variant of Uncertain Significance. This variant has not been reported in the literature in individuals affected with LAMA4-related conditions. This variant is present in population databases (rs782456468, ExAC 0.006%). This sequence change replaces proline with serine at codon 1434 of the LAMA4 protein (p.Pro1434Ser). The proline residue is moderately conserved and there is a moderate physicochemical difference between proline and serine.